The following is an entry in ClinVar:

NM_000063.6(C2):c.656C>A (p.Ala219Asp)

Gene: C2 (complement C2; plus strand). Cytogenetic location: 6p21.33.
Variant type: single nucleotide variant.
Coding change: c.656C>A on transcript NM_000063.6 (MANE Select); coding-DNA position 656, C replaced by A.
Protein change: p.Ala219Asp; replaces alanine 219 with aspartic acid.
Molecular consequence: missense variant. On other transcripts: intron variant (1).
Genome position (GRCh38, 1-based): chr6:31,933,906, C>A. VCF-style: chr6-31933906-C-A. GRCh37 (hg19) VCF-style: chr6-31901683-C-A.
Other names: c.260C>A, p.Ala87Asp (NM_001145903.3); c.287C>A, p.Ala96Asp (NM_001178063.3); c.569C>A, p.Ala190Asp (NM_001282458.2); c.656C>A, p.Ala219Asp (NM_001282459.2); c.111+123C>A (NM_001282457.2); short protein forms A219D, A87D, A190D, A96D.
Identifiers: ClinVar variation 1897876 (VCV001897876.5), dbSNP rs745306334, ClinGen allele CA3727460.
Genomic context (GRCh38, chr6:31,933,906, plus strand): 5'-CCTGTGTGGCTCTCCCCACAGAACCCTACTCTTATGACTTCCCTGAGGACGTGGCCCCTG[C>A]CCTGGGCACTTCCTTCTCCCACATGCTTGGGGCCACCAATCCCACCCAGAAGACAAAGGG-3'
Protein context (NP_000054.2, residues 209-229): SYDFPEDVAP[Ala219Asp]LGTSFSHMLG

ClinVar aggregate classification (germline): Uncertain significance (1 of 4 stars; one submission).

Allele frequency attached by ClinVar (database versions not stated): ExAC 0.00001; gnomAD 0.00001; TOPMed 0.00001.
gnomAD v4.1: 6 of 1,614,070 alleles (0.00037%); highest among the groups gnomAD compares: Admixed American, 0.01%; no homozygotes.

Submission:

Labcorp Genetics (formerly Invitae), Labcorp
Classification: Uncertain significance. Last evaluated: 2022-06-27. Review status: criteria provided, single submitter. Criteria: Invitae Variant Classification Sherloc (09022015). Collection method: clinical testing. Allele origin: germline.
Comment: In summary, the available evidence is currently insufficient to determine the role of this variant in disease. Therefore, it has been classified as a Variant of Uncertain Significance. Algorithms developed to predict the effect of missense changes on protein structure and function are either unavailable or do not agree on the potential impact of this missense change (SIFT: "Deleterious"; PolyPhen-2: "Benign"; Align-GVGD: "Class C65"). This variant has not been reported in the literature in individuals affected with C2-related conditions. This variant is present in population databases (rs745306334, gnomAD 0.009%). This sequence change replaces alanine, which is neutral and non-polar, with aspartic acid, which is acidic and polar, at codon 219 of the C2 protein (p.Ala219Asp).